The following is an entry in ClinVar:

NM_000414.4(HSD17B4):c.65G>C (p.Gly22Ala)

Gene: HSD17B4 (hydroxysteroid 17-beta dehydrogenase 4; plus strand). Cytogenetic location: 5q23.1.
Variant type: single nucleotide variant.
Coding change: c.65G>C on transcript NM_000414.4 (MANE Select); coding-DNA position 65, G replaced by C.
Protein change: p.Gly22Ala; replaces glycine 22 with alanine.
Molecular consequence: missense variant. On other transcripts: synonymous variant (1), 5 prime UTR variant (7), non-coding transcript variant (2), intron variant (1).
Genome position (GRCh38, 1-based): chr5:119,456,321, G>C. VCF-style: chr5-119456321-G-C. GRCh37 (hg19) VCF-style: chr5-118792016-G-C.
Other names: c.75G>C, p.Gly25= (NM_001199291.3); c.-73G>C (NM_001292027.2); c.-347G>C (NM_001292028.2, NM_001374501.1); c.65G>C, p.Gly22Ala (NM_001374497.1, NM_001374498.1); c.-281G>C (NM_001374499.1); c.-474G>C (NM_001374500.1); c.-352G>C (NM_001374502.1); c.-417G>C (NM_001374503.1); and 1 more; short protein forms G22A.
Identifiers: ClinVar variation 4995222 (VCV004995222.1).
Genomic context (GRCh38, chr5:119,456,321, plus strand): 5'-AAAAAAATTATGCTGACATTTCTTCAACTTTCTGATTATTTTGTTTTTGATTAGGATTGG[G>C]CCGAGCCTATGCCCTGGCTTTTGCAGAAAGAGGAGCGTTAGTTGTTGGTAAGTTGGTGTG-3'
Protein context (NP_000405.1, residues 12-32): VLVTGAGAGL[Gly22Ala]RAYALAFAER

ClinVar aggregate classification (germline): Uncertain significance (1 of 4 stars; one submission).

Conditions:
HSD17B4-related disorder. Also called: HSD17B4-related condition; HSD17B4-related disorders.

Submission:

PreventionGenetics, part of Exact Sciences
Classification: Uncertain significance for HSD17B4-related condition. Last evaluated: 2026-08-14. Review status: criteria provided, single submitter. Criteria: ACMG Guidelines, 2015. Collection method: clinical testing. Allele origin: germline.
Comment: The HSD17B4 c.65G>C variant is predicted to result in the amino acid substitution p.Gly22Ala. To our knowledge, this variant has not been reported in the literature or in a large population database (gnomAD), indicating this variant is rare. At this time, the clinical significance of this variant is uncertain due to the absence of conclusive functional and genetic evidence.